The following is an entry in ClinVar:

NM_000256.3(MYBPC3):c.341C>G (p.Thr114Ser)

Gene: MYBPC3 (myosin binding protein C3; minus strand). Cytogenetic location: 11p11.2.
Variant type: single nucleotide variant.
Coding change: c.341C>G on transcript NM_000256.3 (MANE Select); coding-DNA position 341, C replaced by G.
Protein change: p.Thr114Ser; replaces threonine 114 with serine.
Molecular consequence: missense variant.
Genome position (GRCh38, 1-based): chr11:47,350,567, G>C on the plus strand (C>G on the coding strand, the complement: MYBPC3 is on the minus strand). VCF-style: chr11-47350567-G-C. GRCh37 (hg19) VCF-style: chr11-47372118-G-C.
Other names: short protein forms T114S.
Identifiers: ClinVar variation 2036694 (VCV002036694.2), dbSNP rs2495783683, ClinGen allele CA380340821.
Genomic context (GRCh38, chr11:47,350,567, plus strand): 5'-GGACTTGGGGCACTTTCTCCCAGCTCAGCGGCTGGGGCCGGGGCTTCTCCAGGGGCTCCA[G>C]TGGCCTCAGCAGGGGCAGGGGCAGGGGCCAGCATGGGCTCTGCCTTCTCTGGAGGGGATC-3'
Protein context (NP_000247.2, residues 104-124): LAPAPAPAEA[Thr114Ser]GAPGEAPAPA

ClinVar aggregate classification (germline): Uncertain significance (1 of 4 stars; one submission).

Conditions:
Hypertrophic cardiomyopathy. Also called: HYPERTROPHIC MYOCARDIOPATHY. Identifiers: Orphanet 217569, MedGen C0007194, MeSH D002312, MONDO:0005045, HP:0001639.

Submission:

Labcorp Genetics (formerly Invitae), Labcorp
Classification: Uncertain significance for Hypertrophic cardiomyopathy. Last evaluated: 2026-01-31. Review status: criteria provided, single submitter. Criteria: Invitae Variant Classification Sherloc (09022015). Collection method: clinical testing. Allele origin: germline.
Comment: This sequence change replaces threonine, which is neutral and polar, with serine, which is neutral and polar, at codon 114 of the MYBPC3 protein (p.Thr114Ser). This variant is not present in population databases (gnomAD no frequency). This variant has not been reported in the literature in individuals affected with MYBPC3-related conditions. ClinVar contains an entry for this variant (Variation ID: 2036694). An algorithm developed to predict the effect of missense changes on protein structure and function outputs the following: PolyPhen-2: "Benign". The serine amino acid residue is found in multiple mammalian species, which suggests that this missense change does not adversely affect protein function. In summary, the available evidence is currently insufficient to determine the role of this variant in disease. Therefore, it has been classified as a Variant of Uncertain Significance.